The following is an entry in ClinVar:

NM_001211.6(BUB1B):c.662T>C (p.Val221Ala)

Gene: BUB1B (BUB1 mitotic checkpoint serine/threonine kinase B; plus strand). Cytogenetic location: 15q15.1.
Variant type: single nucleotide variant.
Coding change: c.662T>C on transcript NM_001211.6 (MANE Select); coding-DNA position 662, T replaced by C.
Protein change: p.Val221Ala; replaces valine 221 with alanine.
Molecular consequence: missense variant.
Genome position (GRCh38, 1-based): chr15:40,183,794, T>C. VCF-style: chr15-40183794-T-C. GRCh37 (hg19) VCF-style: chr15-40475995-T-C.
Other names: short protein forms V221A.
Identifiers: ClinVar variation 1754571 (VCV001754571.3), dbSNP rs770794291, ClinGen allele CA7475532.

ClinVar aggregate classification (germline): Uncertain significance. Review status: criteria provided, multiple submitters, no conflicts (2 of 4 stars). 2 submissions from 2 submitters: Uncertain significance (2). Last evaluated 2025-02-24.

Conditions:
Mosaic variegated aneuploidy syndrome 1 (MVA1). Also called: Warburton-Anyane-Yeboa syndrome. Identifiers: Orphanet 1052, MedGen C1850343, MONDO:0009759, OMIM 257300.
Inborn genetic diseases. Identifiers: MedGen C0950123, MeSH D030342.

Allele frequency attached by ClinVar (database versions not stated): gnomAD exomes below 0.00001; ExAC 0.00001.
gnomAD v4.1: 2 of 1,614,086 alleles (0.00012%); highest among the groups gnomAD compares: East Asian, 0.0045%; no homozygotes.

Submissions (2):

Labcorp Genetics (formerly Invitae), Labcorp
Classification: Uncertain significance for Mosaic variegated aneuploidy syndrome 1. Last evaluated: 2025-02-24. Review status: criteria provided, single submitter. Criteria: Invitae Variant Classification Sherloc (09022015). Collection method: clinical testing. Allele origin: germline.
Comment: This sequence change replaces valine, which is neutral and non-polar, with alanine, which is neutral and non-polar, at codon 221 of the BUB1B protein (p.Val221Ala). This variant is present in population databases (rs770794291, gnomAD 0.006%). This variant has not been reported in the literature in individuals affected with BUB1B-related conditions. ClinVar contains an entry for this variant (Variation ID: 1754571). An algorithm developed to predict the effect of missense changes on protein structure and function outputs the following: PolyPhen-2: "Benign". The alanine amino acid residue is found in multiple mammalian species, which suggests that this missense change does not adversely affect protein function. In summary, the available evidence is currently insufficient to determine the role of this variant in disease. Therefore, it has been classified as a Variant of Uncertain Significance.

Ambry Genetics
Classification: Uncertain significance for Inborn genetic diseases. Last evaluated: 2022-07-24. Review status: criteria provided, single submitter. Criteria: Ambry Variant Classification Scheme 2023. Collection method: clinical testing. Allele origin: germline.
Comment: The p.V221A variant (also known as c.662T>C), located in coding exon 6 of the BUB1B gene, results from a T to C substitution at nucleotide position 662. The valine at codon 221 is replaced by alanine, an amino acid with similar properties. This amino acid position is conserved. In addition, this alteration is predicted to be tolerated by in silico analysis. Since supporting evidence is limited at this time, the clinical significance of this alteration remains unclear.